The following is an entry in ClinVar:

NM_000642.3(AGL):c.3976G>A (p.Glu1326Lys)

Gene: AGL (amylo-alpha-1,6-glucosidase and 4-alpha-glucanotransferase; plus strand). Cytogenetic location: 1p21.2.
Variant type: single nucleotide variant.
Coding change: c.3976G>A on transcript NM_000642.3 (MANE Select); coding-DNA position 3976, G replaced by A.
Protein change: p.Glu1326Lys; replaces glutamic acid 1326 with lysine.
Molecular consequence: missense variant.
Genome position (GRCh38, 1-based): chr1:99,913,553, G>A. VCF-style: chr1-99913553-G-A. GRCh37 (hg19) VCF-style: chr1-100379109-G-A.
Other names: c.3976G>A, p.Glu1326Lys (NM_000028.3, NM_000643.3, NM_000644.3 and 1 more transcripts); c.3928G>A, p.Glu1310Lys (NM_000646.3); c.3955G>A, p.Glu1319Lys (NM_001425326.1); c.3775G>A, p.Glu1259Lys (NM_001425327.1); c.3772G>A, p.Glu1258Lys (NM_001425328.1); c.3637G>A, p.Glu1213Lys (NM_001425329.1); c.3598G>A, p.Glu1200Lys (NM_001425332.1); short protein forms E1310K, E1326K, E1200K, E1213K, E1258K, E1259K, E1319K.
Identifiers: ClinVar variation 948470 (VCV000948470.12), dbSNP rs1168287000, ClinGen allele CA341339458.

ClinVar aggregate classification (germline): Uncertain significance. Review status: criteria provided, single submitter (1 of 4 stars). 2 submissions from 2 submitters: Uncertain significance (1). 1 of the submissions does not count toward it. Last evaluated 2023-10-11.

Conditions:
Glycogen storage disease type III (GSD3). Also called: Cori disease; FORBES DISEASE. Identifiers: Orphanet 366, MedGen C0017922, MONDO:0009291, OMIM 232400.

Allele frequency attached by ClinVar (database versions not stated): gnomAD 0.00001; gnomAD exomes 0.00001.
gnomAD v4.1: 5 of 1,613,690 alleles (0.00031%); highest among the groups gnomAD compares: East Asian, 0.0022%; no homozygotes.

Submissions (2):

Labcorp Genetics (formerly Invitae), Labcorp
Classification: Uncertain significance for Glycogen storage disease type III. Last evaluated: 2023-10-11. Review status: criteria provided, single submitter. Criteria: Invitae Variant Classification Sherloc (09022015). Collection method: clinical testing. Allele origin: germline.
Comment: This sequence change replaces glutamic acid, which is acidic and polar, with lysine, which is basic and polar, at codon 1326 of the AGL protein (p.Glu1326Lys). This variant is present in population databases (no rsID available, gnomAD 0.005%). This variant has not been reported in the literature in individuals affected with AGL-related conditions. ClinVar contains an entry for this variant (Variation ID: 948470). Advanced modeling of protein sequence and biophysical properties (such as structural, functional, and spatial information, amino acid conservation, physicochemical variation, residue mobility, and thermodynamic stability) performed at Invitae indicates that this missense variant is not expected to disrupt AGL protein function. In summary, the available evidence is currently insufficient to determine the role of this variant in disease. Therefore, it has been classified as a Variant of Uncertain Significance.

Natera, Inc.
Classification: Uncertain significance for Glycogen storage disease type III. Last evaluated: 2021-05-20. Review status: no assertion criteria provided. Collection method: clinical testing. Allele origin: germline. Not counted in ClinVar's aggregate classification.